The following is an entry in ClinVar:

NM_020937.4(FANCM):c.5254A>G (p.Asn1752Asp)

Gene: FANCM (FA complementation group M; plus strand). Cytogenetic location: 14q21.2.
Variant type: single nucleotide variant.
Coding change: c.5254A>G on transcript NM_020937.4 (MANE Select); coding-DNA position 5254, A replaced by G.
Protein change: p.Asn1752Asp; replaces asparagine 1752 with aspartic acid.
Molecular consequence: missense variant.
Genome position (GRCh38, 1-based): chr14:45,189,276, A>G. VCF-style: chr14-45189276-A-G. GRCh37 (hg19) VCF-style: chr14-45658479-A-G.
Other names: c.5176A>G, p.Asn1726Asp (NM_001308133.2); short protein forms N1726D, N1752D.
Identifiers: ClinVar variation 4619497 (VCV004619497.1).

ClinVar aggregate classification (germline): Uncertain significance (1 of 4 stars; one submission).

Conditions:
Inborn genetic diseases. Identifiers: MedGen C0950123, MeSH D030342.

Submission:

Ambry Genetics
Classification: Uncertain significance for Inborn genetic diseases. Last evaluated: 2025-10-16. Review status: criteria provided, single submitter. Criteria: Ambry Variant Classification Scheme 2023. Collection method: clinical testing. Allele origin: germline.
Comment: The p.N1752D variant (also known as c.5254A>G), located in coding exon 20 of the FANCM gene, results from an A to G substitution at nucleotide position 5254. The asparagine at codon 1752 is replaced by aspartic acid, an amino acid with highly similar properties. This amino acid position is conserved. In addition, this alteration is predicted to be tolerated by in silico analysis. Based on the available evidence, the clinical significance of this variant remains unclear.